The following is an entry in ClinVar:

ClinVar aggregate classification (germline): Uncertain significance (1 of 4 stars; one submission).

Allele frequency attached by ClinVar (database versions not stated): gnomAD exomes below 0.00001.
gnomAD v4.1: 1 of 1,613,614 alleles (0.000062%); highest among the groups gnomAD compares: Non-Finnish European, 0.000085%; no homozygotes.

Submission:

Labcorp Genetics (formerly Invitae), Labcorp
Classification: Uncertain significance. Last evaluated: 2022-03-18. Review status: criteria provided, single submitter. Criteria: Invitae Variant Classification Sherloc (09022015). Collection method: clinical testing. Allele origin: germline.
Comment: This sequence change replaces asparagine, which is neutral and polar, with serine, which is neutral and polar, at codon 134 of the CDH23 protein (p.Asn134Ser). This variant is not present in population databases (gnomAD no frequency). This variant has not been reported in the literature in individuals affected with CDH23-related conditions. Algorithms developed to predict the effect of missense changes on protein structure and function are either unavailable or do not agree on the potential impact of this missense change (SIFT: "Deleterious"; PolyPhen-2: "Not Available"; Align-GVGD: "Class C0"). In summary, the available evidence is currently insufficient to determine the role of this variant in disease. Therefore, it has been classified as a Variant of Uncertain Significance.

NM_022124.6(CDH23):c.401A>G (p.Asn134Ser)

Genes: CDH23 (cadherin related 23; plus strand), CDH23-AS1 (CDH23 antisense RNA 1; minus strand). Cytogenetic location: 10q22.1.
Variant type: single nucleotide variant.
Coding change: c.401A>G on transcript NM_022124.6 (MANE Select); coding-DNA position 401, A replaced by G.
Protein change: p.Asn134Ser; replaces asparagine 134 with serine.
Molecular consequence: missense variant.
Genome position (GRCh38, 1-based): chr10:71,511,184, A>G. VCF-style: chr10-71511184-A-G. GRCh37 (hg19) VCF-style: chr10-73270941-A-G.
Other names: c.401A>G, p.Asn134Ser (NM_001171930.2, NM_001171931.2, NM_001171932.2 and 1 more transcripts); short protein forms N134S.
Identifiers: ClinVar variation 2089145 (VCV002089145.1), dbSNP rs745772510, ClinGen allele CA377116570.